The following is an entry in ClinVar:

ClinVar aggregate classification (germline): Uncertain significance (1 of 4 stars; one submission).

Conditions:
Inborn genetic diseases. Identifiers: MedGen C0950123, MeSH D030342.

Submission:

Ambry Genetics
Classification: Uncertain significance for Inborn genetic diseases. Last evaluated: 2021-08-24. Review status: criteria provided, single submitter. Criteria: Ambry Variant Classification Scheme 2023. Collection method: clinical testing. Allele origin: germline.
Comment: The p.A22P variant (also known as c.64G>C), located in coding exon 1 of the DNAJB2 gene, results from a G to C substitution at nucleotide position 64. The alanine at codon 22 is replaced by proline, an amino acid with highly similar properties. This amino acid position is conserved. In addition, this alteration is predicted to be deleterious by in silico analysis. Since supporting evidence is limited at this time, the clinical significance of this alteration remains unclear.

NM_006736.6(DNAJB2):c.64G>C (p.Ala22Pro)

Gene: DNAJB2 (DnaJ heat shock protein family (Hsp40) member B2; plus strand). Cytogenetic location: 2q35.
Variant type: single nucleotide variant.
Coding change: c.64G>C on transcript NM_006736.6 (MANE Select); coding-DNA position 64, G replaced by C.
Protein change: p.Ala22Pro; replaces alanine 22 with proline.
Molecular consequence: missense variant.
Genome position (GRCh38, 1-based): chr2:219,279,897, G>C. VCF-style: chr2-219279897-G-C. GRCh37 (hg19) VCF-style: chr2-220144619-G-C.
Other names: c.64G>C, p.Ala22Pro (NM_001039550.2); short protein forms A22P.
Identifiers: ClinVar variation 1753902 (VCV001753902.2), dbSNP rs2545027134, ClinGen allele CA350646223.